The following is an entry in ClinVar:

NM_000036.3(AMPD1):c.1974+7T>C

Gene: AMPD1 (adenosine monophosphate deaminase 1; minus strand). Cytogenetic location: 1p13.2.
Variant type: single nucleotide variant.
Coding change: c.1974+7T>C on transcript NM_000036.3 (MANE Select); 7 bases into the intron after coding-DNA position 1974, T replaced by C.
Molecular consequence: intron variant.
Genome position (GRCh38, 1-based): chr1:114,673,902, A>G on the plus strand (T>C on the coding strand, the complement: AMPD1 is on the minus strand). VCF-style: chr1-114673902-A-G. GRCh37 (hg19) VCF-style: chr1-115216523-A-G.
Other names: c.1962+7T>C (NM_001172626.2).
Identifiers: ClinVar variation 2722745 (VCV002722745.1), dbSNP rs1657904647, ClinGen allele CA1190274939.
Genomic context (GRCh38, chr1:114,673,902, plus strand): 5'-TTCAAATTCTGGACGGGAAACAACAGTCCAGCAAAATATGCTTGTATTGCCCAAGTCCAT[A>G]CTATACCTTGGTAAAGTGGAATTGCATTGGGTCATCTGTAGACAGTGAGATCATTAGCCC-3'

ClinVar aggregate classification (germline): Uncertain significance (1 of 4 stars; one submission).

Conditions:
Muscle AMP deaminase deficiency (MMDD). Also called: ADENOSINE MONOPHOSPHATE DEAMINASE-1 DEFICIENCY, MYOPATHY DUE TO; Myoadenylate deaminase deficiency, myopathy due to; AMPD1 DEFICIENCY; Adenosine monophosphate deaminase 1 deficiency; AMP deaminase 1 deficiency; Adenosine Monophosphate Deaminase 1. Identifiers: Orphanet 45, MedGen C3714933, MONDO:0014220, OMIM 615511.

Allele frequency attached by ClinVar (database versions not stated): TOPMed 0.00001.
gnomAD v4.1: 1 of 1,613,706 alleles (0.000062%); highest among the groups gnomAD compares: Non-Finnish European, 0.000085%; no homozygotes.

Submission:

Labcorp Genetics (formerly Invitae), Labcorp
Classification: Uncertain significance for Muscle AMP deaminase deficiency. Last evaluated: 2024-01-09. Review status: criteria provided, single submitter. Criteria: Invitae Variant Classification Sherloc (09022015). Collection method: clinical testing. Allele origin: germline.
Comment: This sequence change falls in intron 14 of the AMPD1 gene. It does not directly change the encoded amino acid sequence of the AMPD1 protein. This variant is not present in population databases (gnomAD no frequency). This variant has not been reported in the literature in individuals affected with AMPD1-related conditions. Algorithms developed to predict the effect of sequence changes on RNA splicing suggest that this variant may disrupt the consensus splice site. In summary, the available evidence is currently insufficient to determine the role of this variant in disease. Therefore, it has been classified as a Variant of Uncertain Significance.